The following is an entry in ClinVar:

NM_001378454.1(ALMS1):c.10495G>A (p.Glu3499Lys)

Gene: ALMS1 (ALMS1 centrosome and basal body associated protein; plus strand). Cytogenetic location: 2p13.1.
Variant type: single nucleotide variant.
Coding change: c.10495G>A on transcript NM_001378454.1 (MANE Select); coding-DNA position 10495, G replaced by A.
Protein change: p.Glu3499Lys; replaces glutamic acid 3499 with lysine.
Molecular consequence: missense variant.
Genome position (GRCh38, 1-based): chr2:73,572,372, G>A. VCF-style: chr2-73572372-G-A. GRCh37 (hg19) VCF-style: chr2-73799499-G-A.
Other names: c.10498G>A, p.Glu3500Lys (NM_015120.4); short protein forms E3499K, E3500K.
Identifiers: ClinVar variation 5035943 (VCV005035943.1).

ClinVar aggregate classification (germline): Uncertain significance (1 of 4 stars; one submission).

Conditions:
Cardiovascular phenotype. Identifiers: MedGen CN230736.

Submission:

Ambry Genetics
Classification: Uncertain significance for Cardiovascular phenotype. Last evaluated: 2026-07-22. Review status: criteria provided, single submitter. Criteria: Ambry Variant Classification Scheme 2023. Collection method: clinical testing. Allele origin: germline.
Comment: The p.E3500K variant (also known as c.10498G>A), located in coding exon 16 of the ALMS1 gene, results from a G to A substitution at nucleotide position 10498. The glutamic acid at codon 3500 is replaced by lysine, an amino acid with similar properties. This amino acid position is highly conserved in available vertebrate species. In addition, the in silico prediction for this alteration is inconclusive. Based on the available evidence, the clinical significance of this variant remains unclear.